The following is an entry in ClinVar:

NM_153603.4(COG7):c.455C>T (p.Ala152Val)

Gene: COG7 (component of oligomeric golgi complex 7; minus strand). Cytogenetic location: 16p12.2.
Variant type: single nucleotide variant.
Coding change: c.455C>T on transcript NM_153603.4 (MANE Select); coding-DNA position 455, C replaced by T.
Protein change: p.Ala152Val; replaces alanine 152 with valine.
Molecular consequence: missense variant.
Genome position (GRCh38, 1-based): chr16:23,442,626, G>A on the plus strand (C>T on the coding strand, the complement: COG7 is on the minus strand). VCF-style: chr16-23442626-G-A. GRCh37 (hg19) VCF-style: chr16-23453947-G-A.
Other names: short protein forms A152V.
Identifiers: ClinVar variation 1984473 (VCV001984473.3), dbSNP rs1206659909, ClinGen allele CA395116838.

ClinVar aggregate classification (germline): Uncertain significance (1 of 4 stars; one submission).

Conditions:
COG7 congenital disorder of glycosylation (CDG2E). Also called: CONGENITAL DISORDER OF GLYCOSYLATION, TYPE IIe; CDG IIe. Identifiers: Orphanet 79333, MedGen C2931010, MONDO:0012118, OMIM 608779.

Allele frequency attached by ClinVar (database versions not stated): TOPMed below 0.00001; gnomAD exomes 0.00001.
gnomAD v4.1: 8 of 1,613,856 alleles (0.0005%); highest among the groups gnomAD compares: Non-Finnish European, 0.00068%; no homozygotes.

Submission:

Labcorp Genetics (formerly Invitae), Labcorp
Classification: Uncertain significance for COG7 congenital disorder of glycosylation. Last evaluated: 2022-02-02. Review status: criteria provided, single submitter. Criteria: Invitae Variant Classification Sherloc (09022015). Collection method: clinical testing. Allele origin: germline.
Comment: This sequence change replaces alanine, which is neutral and non-polar, with valine, which is neutral and non-polar, at codon 152 of the COG7 protein (p.Ala152Val). In summary, the available evidence is currently insufficient to determine the role of this variant in disease. Therefore, it has been classified as a Variant of Uncertain Significance. Algorithms developed to predict the effect of missense changes on protein structure and function are either unavailable or do not agree on the potential impact of this missense change (SIFT: "Tolerated"; PolyPhen-2: "Possibly Damaging"; Align-GVGD: "Class C0"). This variant has not been reported in the literature in individuals affected with COG7-related conditions. This variant is present in population databases (no rsID available, gnomAD 0.0009%).